The following is an entry in ClinVar:

NM_024306.5(FA2H):c.448A>G (p.Thr150Ala)

Gene: FA2H (fatty acid 2-hydroxylase; minus strand). Cytogenetic location: 16q23.1.
Variant type: single nucleotide variant.
Coding change: c.448A>G on transcript NM_024306.5 (MANE Select); coding-DNA position 448, A replaced by G.
Protein change: p.Thr150Ala; replaces threonine 150 with alanine.
Molecular consequence: missense variant.
Genome position (GRCh38, 1-based): chr16:74,727,302, T>C on the plus strand (A>G on the coding strand, the complement: FA2H is on the minus strand). VCF-style: chr16-74727302-T-C. GRCh37 (hg19) VCF-style: chr16-74761200-T-C.
Other names: short protein forms T150A.
Identifiers: ClinVar variation 2043728 (VCV002043728.4), dbSNP rs1245653901, ClinGen allele CA396770098.

ClinVar aggregate classification (germline): Uncertain significance (1 of 4 stars; one submission).

Conditions:
Spastic paraplegia. Identifiers: MedGen C0037772, HP:0001258.

Allele frequency attached by ClinVar (database versions not stated): gnomAD 0.00001; gnomAD exomes below 0.00001; TOPMed 0.00001.
gnomAD v4.1: 5 of 1,614,042 alleles (0.00031%); highest among the groups gnomAD compares: East Asian, 0.0045%; no homozygotes.

Submission:

Labcorp Genetics (formerly Invitae), Labcorp
Classification: Uncertain significance for Spastic paraplegia. Last evaluated: 2023-12-22. Review status: criteria provided, single submitter. Criteria: Invitae Variant Classification Sherloc (09022015). Collection method: clinical testing. Allele origin: germline.
Comment: This sequence change replaces threonine, which is neutral and polar, with alanine, which is neutral and non-polar, at codon 150 of the FA2H protein (p.Thr150Ala). This variant is present in population databases (no rsID available, gnomAD 0.006%). This variant has not been reported in the literature in individuals affected with FA2H-related conditions. ClinVar contains an entry for this variant (Variation ID: 2043728). Advanced modeling of protein sequence and biophysical properties (such as structural, functional, and spatial information, amino acid conservation, physicochemical variation, residue mobility, and thermodynamic stability) performed at Invitae indicates that this missense variant is not expected to disrupt FA2H protein function with a negative predictive value of 80%. In summary, the available evidence is currently insufficient to determine the role of this variant in disease. Therefore, it has been classified as a Variant of Uncertain Significance.